The following is an entry in ClinVar:

ClinVar aggregate classification (germline): Uncertain significance (1 of 4 stars; one submission).

gnomAD v4.1: 5 of 1,612,612 alleles (0.00031%); highest among the groups gnomAD compares: Non-Finnish European, 0.00042%; no homozygotes.

Submission:

Women's Health and Genetics/Laboratory Corporation of America, LabCorp
Classification: Uncertain significance. Last evaluated: 2024-10-07. Review status: criteria provided, single submitter. Criteria: LabCorp Variant Classification Summary - May 2015. Collection method: clinical testing. Allele origin: germline.
Comment: Variant summary: SHOX c.401G>T (p.Arg134Leu) results in a non-conservative amino acid change located in the Homeobox domain (IPR001356) of the encoded protein sequence. Four of five in-silico tools predict a damaging effect of the variant on protein function. The variant was absent in 245124 control chromosomes. The available data on variant occurrences in the general population are insufficient to allow any conclusion about variant significance. To our knowledge, no occurrence of c.401G>T in individuals affected with Leri-Weill Dyschondrosteosis and no experimental evidence demonstrating its impact on protein function have been reported. ClinVar contains an entry for this variant (Variation ID: 2503921). Based on the evidence outlined above, the variant was classified as uncertain significance.

NM_000451.4(SHOX):c.401G>T (p.Arg134Leu)

Genes: SHOX (SHOX homeobox; plus strand), LOC107652445 (meiotic recombination hotspot SHOX; plus strand). Cytogenetic location: Yp11.2.
Variant type: single nucleotide variant.
Coding change: c.401G>T on transcript NM_000451.4 (MANE Select); coding-DNA position 401, G replaced by T.
Protein change: p.Arg134Leu; replaces arginine 134 with leucine.
Molecular consequence: missense variant.
Genome position (GRCh38, 1-based): chrX:634,741, G>T. VCF-style: chrX-634741-G-T. GRCh37 (hg19) VCF-style: chrX-595476-G-T.
Other names: c.401G>T, p.Arg134Leu (NM_006883.2); c.401G>T (NM_000451.3); short protein forms R134L.
Identifiers: ClinVar variation 2503921 (VCV002503921.2), dbSNP rs1413572528, ClinGen allele CA412231412.
Genomic context (GRCh38, chrX:634,741, plus strand): 5'-AGCTGAAACAGAGGCGCAGCCGCACCAACTTCACGCTGGAGCAGCTGAACGAGCTCGAGC[G>T]ACTCTTCGACGAGACCCATTACCCCGACGCCTTCATGCGCGAGGAGCTCAGCCAGCGCCT-3'
Protein context (NP_000442.1, residues 124-144): FTLEQLNELE[Arg134Leu]LFDETHYPDA